The following is an entry in ClinVar:

ClinVar aggregate classification (germline): Conflicting classifications of pathogenicity. Review status: criteria provided, conflicting classifications (1 of 4 stars). 3 submissions from 3 submitters: Likely pathogenic (1); Uncertain significance (1). 1 of the submissions does not count toward it. Last evaluated 2024-08-06.

Conditions:
Idiopathic Pulmonary Fibrosis. Also called: Idiopathic fibrosing alveolitis, chronic form; idiopathic fibrosing alveolitis. Identifiers: Orphanet 2032, MedGen C1800706, MeSH D054990, MONDO:0800504.
Dyskeratosis congenita, autosomal dominant 2. Identifiers: MedGen C3151443, MONDO:0013521, OMIM 613989.
Telomere syndrome. Identifiers: MedGen C4727832, MONDO:0100137.

Submissions (3):

Labcorp Genetics (formerly Invitae), Labcorp
Classification: Likely pathogenic for Dyskeratosis congenita, autosomal dominant 2; Idiopathic Pulmonary Fibrosis. Last evaluated: 2024-08-06. Review status: criteria provided, single submitter. Criteria: Invitae Variant Classification Sherloc (09022015). Collection method: clinical testing. Allele origin: germline.
Comment: This sequence change replaces leucine, which is neutral and non-polar, with proline, which is neutral and non-polar, at codon 864 of the TERT protein (p.Leu864Pro). This variant is not present in population databases (gnomAD no frequency). This missense change has been observed in individual(s) with clinical features of TERT-related telomere disease (PMID: 27192671, 30523342; Invitae). It has also been observed to segregate with disease in related individuals. ClinVar contains an entry for this variant (Variation ID: 580119). Advanced modeling of protein sequence and biophysical properties (such as structural, functional, and spatial information, amino acid conservation, physicochemical variation, residue mobility, and thermodynamic stability) performed at Invitae indicates that this missense variant is expected to disrupt TERT protein function with a positive predictive value of 95%. In summary, the currently available evidence indicates that the variant is pathogenic, but additional data are needed to prove that conclusively. Therefore, this variant has been classified as Likely Pathogenic.

Genetic Services Laboratory, University of Chicago
Classification: Uncertain significance. Last evaluated: 2017-12-13. Review status: criteria provided, single submitter. Criteria: ACMG Guidelines, 2015. Collection method: clinical testing. Allele origin: germline. Affected: no.

The Telomere Center at Johns Hopkins, Johns Hopkins University School of Medicine
Classification: Pathogenic for Telomere syndrome. Last evaluated: 2022-08-01. Review status: no assertion criteria provided. Collection method: clinical testing. Allele origin: germline. Affected: yes. Observed: 2 variant alleles. Not counted in ClinVar's aggregate classification.

Literature cited by the submitters: PubMed 27192671 (cited by Labcorp Genetics (formerly Invitae), Labcorp); PubMed 30523342 (cited by Labcorp Genetics (formerly Invitae), Labcorp).

NM_198253.3(TERT):c.2591T>C (p.Leu864Pro)

Gene: TERT (telomerase reverse transcriptase; minus strand). Cytogenetic location: 5p15.33.
Variant type: single nucleotide variant.
Coding change: c.2591T>C on transcript NM_198253.3 (MANE Select); coding-DNA position 2591, T replaced by C.
Protein change: p.Leu864Pro; replaces leucine 864 with proline.
Molecular consequence: missense variant. On other transcripts: non-coding transcript variant (2).
Genome position (GRCh38, 1-based): chr5:1,266,527, A>G on the plus strand (T>C on the coding strand, the complement: TERT is on the minus strand). VCF-style: chr5-1266527-A-G. GRCh37 (hg19) VCF-style: chr5-1266642-A-G.
Other names: c.2591T>C, p.Leu864Pro (NM_001193376.3); short protein forms L864P.
Identifiers: ClinVar variation 580119 (VCV000580119.39), dbSNP rs1561194110, ClinGen allele CA359073326.